The following is an entry in ClinVar:

NM_153676.4(USH1C):c.2362G>A (p.Gly788Arg)

Gene: USH1C (USH1 protein network component harmonin; minus strand). Cytogenetic location: 11p15.1.
Variant type: single nucleotide variant.
Coding change: c.2362G>A on transcript NM_153676.4 (MANE Select); coding-DNA position 2362, G replaced by A.
Protein change: p.Gly788Arg; replaces glycine 788 with arginine.
Molecular consequence: missense variant. On other transcripts: non-coding transcript variant (1).
Genome position (GRCh38, 1-based): chr11:17,501,069, C>T on the plus strand (G>A on the coding strand, the complement: USH1C is on the minus strand). VCF-style: chr11-17501069-C-T. GRCh37 (hg19) VCF-style: chr11-17522616-C-T.
Other names: c.1405G>A, p.Gly469Arg (NM_001297764.2); c.1462G>A, p.Gly488Arg (NM_005709.4); short protein forms G469R, G488R, G788R.
Identifiers: ClinVar variation 877522 (VCV000877522.12), dbSNP rs199729381, ClinGen allele CA5904207.
Genomic context (GRCh38, chr11:17,501,069, plus strand): 5'-CTGTATCATCCCCAAACCTGGGTGTGGCTAGTCTCCACTCACCATGCCGCTCAGCAGCTC[C>T]CCGCTCATACACAGCAGAAACGACCACCTTCCCAATGGGGGAGTCCACACCGCCTTCCAG-3'
Protein context (NP_710142.1, residues 778-798): KVVVSAVYER[Gly788Arg]AAERHGGIVK

ClinVar aggregate classification (germline): Uncertain significance. Review status: criteria provided, multiple submitters, no conflicts (2 of 4 stars). 4 submissions from 4 submitters: Uncertain significance (3). 1 of the submissions does not count toward it. Last evaluated 2024-11-01.

Conditions:
Usher syndrome type 1C. Also called: USHER SYNDROME, TYPE I, ACADIAN VARIETY. Identifiers: Orphanet 231169, Orphanet 886, MedGen C1848604, MONDO:0010171, OMIM 276904.

Allele frequency attached by ClinVar (database versions not stated): ExAC 0.00002; gnomAD exomes 0.00002; TOPMed 0.00004; gnomAD 0.00005; 1000 Genomes Project 0.00020; 1000 Genomes Project 30x 0.00031.

Submissions (4):

Blueprint Genetics
Classification: Uncertain significance. Last evaluated: 2024-11-01. Review status: criteria provided, single submitter. Criteria: ACMG Guidelines, 2015. Collection method: clinical testing. Allele origin: germline.

Labcorp Genetics (formerly Invitae), Labcorp
Classification: Uncertain significance. Last evaluated: 2024-10-15. Review status: criteria provided, single submitter. Criteria: Invitae Variant Classification Sherloc (09022015). Collection method: clinical testing. Allele origin: germline.
Comment: This sequence change replaces glycine, which is neutral and non-polar, with arginine, which is basic and polar, at codon 488 of the USH1C protein (p.Gly488Arg). This variant is present in population databases (rs199729381, gnomAD 0.003%). This variant has not been reported in the literature in individuals affected with USH1C-related conditions. ClinVar contains an entry for this variant (Variation ID: 877522). An algorithm developed to predict the effect of missense changes on protein structure and function (PolyPhen-2) suggests that this variant is likely to be disruptive. In summary, the available evidence is currently insufficient to determine the role of this variant in disease. Therefore, it has been classified as a Variant of Uncertain Significance.

Illumina Laboratory Services, Illumina
Classification: Uncertain significance for Usher syndrome type 1C. Last evaluated: 2018-01-13. Review status: criteria provided, single submitter. Criteria: ICSL Variant Classification Criteria 13 December 2019. Collection method: clinical testing. Allele origin: germline.

Natera, Inc.
Classification: Uncertain significance for Usher syndrome type 1C. Last evaluated: 2020-03-19. Review status: no assertion criteria provided. Collection method: clinical testing. Allele origin: germline. Not counted in ClinVar's aggregate classification.